The following is an entry in ClinVar:

ClinVar aggregate classification (germline): Likely pathogenic (1 of 4 stars; one submission).

Conditions:
KBG syndrome (KBGS). Also called: ANKRD11-Related KBG Syndrome. Identifiers: Orphanet 2332, MedGen C0220687, MONDO:0007846, OMIM 148050.

Submission:

3billion
Classification: Likely pathogenic for KBG syndrome. Last evaluated: 2025-12-16. Review status: criteria provided, single submitter. Criteria: ACMG Guidelines, 2015. Collection method: clinical testing. Allele origin: germline. Affected: yes.
Comment: The variant is not observed in the gnomAD v4.1.0 dataset. Predicted Consequence/Location: Frameshift: predicted to result in a loss or disruption of normal protein function through nonsense-mediated decay (NMD) or protein truncation. Multiple pathogenic variants are reported downstream of the variant. Therefore, this variant is classified as Likely pathogenic according to the recommendation of ACMG/AMP guideline.

NM_013275.6(ANKRD11):c.355del (p.Leu119fs)

Gene: ANKRD11 (ankyrin repeat domain 11; minus strand). Cytogenetic location: 16q24.3.
Variant type: Deletion.
Coding change: c.355del on transcript NM_013275.6 (MANE Select); coding-DNA position 355, one base deleted (C; older notation c.355delC).
Protein change: p.Leu119fs; shifts the reading frame from leucine 119.
Molecular consequence: frameshift variant. On other transcripts: non-coding transcript variant (1).
Genome position (GRCh38, 1-based): chr16:89,291,055, G deleted on the plus strand (C on the coding strand, the reverse complement: ANKRD11 is on the minus strand); the first of 3 consecutive G bases (chr16:89,291,055-89,291,057); deleting any one gives the same sequence. VCF-style (leftmost placement, unchanged base first): chr16-89291054-AG-A. GRCh37 (hg19) VCF-style: chr16-89357462-AG-A.
Other names: c.355del, p.Leu119fs (NM_001256182.2, NM_001256183.2); short protein forms L119fs.
Identifiers: ClinVar variation 4855140 (VCV004855140.1).